The following is an entry in ClinVar:

ClinVar aggregate classification (germline): Uncertain significance (1 of 4 stars; one submission).

Conditions:
Vici syndrome (VICIS). Identifiers: Orphanet 1493, MedGen C1855772, MONDO:0009452, OMIM 242840.

Allele frequency attached by ClinVar (database versions not stated): gnomAD exomes below 0.00001.

Submission:

Labcorp Genetics (formerly Invitae), Labcorp
Classification: Uncertain significance for Vici syndrome. Last evaluated: 2022-08-16. Review status: criteria provided, single submitter. Criteria: Invitae Variant Classification Sherloc (09022015). Collection method: clinical testing. Allele origin: germline.
Comment: This sequence change replaces phenylalanine, which is neutral and non-polar, with leucine, which is neutral and non-polar, at codon 2122 of the EPG5 protein (p.Phe2122Leu). ClinVar contains an entry for this variant (Variation ID: 1433609). Algorithms developed to predict the effect of missense changes on protein structure and function are either unavailable or do not agree on the potential impact of this missense change (SIFT: "Tolerated"; PolyPhen-2: "Probably Damaging"; Align-GVGD: "Class C0"). In summary, the available evidence is currently insufficient to determine the role of this variant in disease. Therefore, it has been classified as a Variant of Uncertain Significance.

NM_020964.3(EPG5):c.6364T>C (p.Phe2122Leu)

Gene: EPG5 (ectopic P-granules 5 autophagy tethering factor; minus strand). Cytogenetic location: 18q12.3.
Variant type: single nucleotide variant.
Coding change: c.6364T>C on transcript NM_020964.3 (MANE Select); coding-DNA position 6364, T replaced by C.
Protein change: p.Phe2122Leu; replaces phenylalanine 2122 with leucine.
Molecular consequence: missense variant.
Genome position (GRCh38, 1-based): chr18:45,867,610, A>G on the plus strand (T>C on the coding strand, the complement: EPG5 is on the minus strand). VCF-style: chr18-45867610-A-G. GRCh37 (hg19) VCF-style: chr18-43447575-A-G.
Other names: short protein forms F2122L.
Identifiers: ClinVar variation 1433609 (VCV001433609.4), dbSNP rs1025405891, ClinGen allele CA299699519.